The following is an entry in ClinVar:

NM_004766.3(COPB2):c.1664C>T (p.Ala555Val)

Gene: COPB2 (coat protein complex I subunit beta 2; minus strand). Cytogenetic location: 3q23.
Variant type: single nucleotide variant.
Coding change: c.1664C>T on transcript NM_004766.3 (MANE Select); coding-DNA position 1664, C replaced by T.
Protein change: p.Ala555Val; replaces alanine 555 with valine.
Molecular consequence: missense variant. On other transcripts: non-coding transcript variant (1).
Genome position (GRCh38, 1-based): chr3:139,367,027, G>A on the plus strand (C>T on the coding strand, the complement: COPB2 is on the minus strand). VCF-style: chr3-139367027-G-A. GRCh37 (hg19) VCF-style: chr3-139085869-G-A.
Other names: c.1577C>T, p.Ala526Val (NM_001410834.1); short protein forms A526V, A555V.
Identifiers: ClinVar variation 5006558 (VCV005006558.2).

ClinVar aggregate classification (germline): Uncertain significance (1 of 4 stars; one submission).

Conditions:
Osteoporosis, childhood- or juvenile-onset, with developmental delay. Identifiers: MedGen C5676992, MONDO:0859253, OMIM 619884.
Microcephaly 19, primary, autosomal recessive. Identifiers: MedGen C4540488, MONDO:0054716, OMIM 617800.

Submission:

Juno Genomics, Hangzhou Juno Genomics, Inc
Classification: Uncertain significance for Microcephaly 19, primary, autosomal recessive; Osteoporosis, childhood- or juvenile-onset, with developmental delay. Review status: criteria provided, single submitter. Criteria: ACMG Guidelines, 2015. Collection method: clinical testing. Allele origin: germline.
Comment: Absent from controls (or at extremely low frequency if recessive) in Genome Aggregation Database.;Missense variant in a gene that has a low rate of benign missense variation.